The following is an entry in ClinVar:

ClinVar aggregate classification (germline): Uncertain significance. Review status: criteria provided, multiple submitters, no conflicts (2 of 4 stars). 2 submissions from 2 submitters: Uncertain significance (2). Last evaluated 2024-11-06.

Conditions:
Cardiovascular phenotype. Identifiers: MedGen CN230736.

Allele frequency attached by ClinVar (database versions not stated): TOPMed below 0.00001.

Submissions (2):

GeneDx
Classification: Uncertain significance. Last evaluated: 2024-11-06. Review status: criteria provided, single submitter. Criteria: GeneDx Variant Classification Process June 2021. Collection method: clinical testing. Allele origin: germline. Affected: yes.
Comment: Not observed at significant frequency in large population cohorts (gnomAD); In silico analysis indicates that this missense variant does not alter protein structure/function; Has not been previously published as pathogenic or benign to our knowledge

Ambry Genetics
Classification: Uncertain significance for Cardiovascular phenotype. Last evaluated: 2023-11-05. Review status: criteria provided, single submitter. Criteria: Ambry Variant Classification Scheme 2023. Collection method: clinical testing. Allele origin: germline.
Comment: The p.C82Y variant (also known as c.245G>A), located in coding exon 1 of the NKX2-5 gene, results from a G to A substitution at nucleotide position 245. The cysteine at codon 82 is replaced by tyrosine, an amino acid with highly dissimilar properties. This amino acid position is conserved. In addition, this alteration is predicted to be tolerated by in silico analysis. Since supporting evidence is limited at this time, the clinical significance of this alteration remains unclear.

NM_004387.4(NKX2-5):c.245G>A (p.Cys82Tyr)

Gene: NKX2-5 (NK2 homeobox 5; minus strand). Cytogenetic location: 5q35.1.
Variant type: single nucleotide variant.
Coding change: c.245G>A on transcript NM_004387.4 (MANE Select); coding-DNA position 245, G replaced by A.
Protein change: p.Cys82Tyr; replaces cysteine 82 with tyrosine.
Molecular consequence: missense variant.
Genome position (GRCh38, 1-based): chr5:173,234,839, C>T on the plus strand (G>A on the coding strand, the complement: NKX2-5 is on the minus strand). VCF-style: chr5-173234839-C-T. GRCh37 (hg19) VCF-style: chr5-172661842-C-T.
Other names: c.245G>A, p.Cys82Tyr (NM_001166175.2, NM_001166176.2); short protein forms C82Y.
Identifiers: ClinVar variation 3224199 (VCV003224199.2), dbSNP rs1333780727, ClinGen allele CA362163407.